The following is an entry in ClinVar:

NM_182641.4(BPTF):c.4531G>A (p.Asp1511Asn)

Gene: BPTF (bromodomain PHD finger transcription factor; plus strand). Cytogenetic location: 17q24.2.
Variant type: single nucleotide variant.
Coding change: c.4531G>A on transcript NM_182641.4 (MANE Select); coding-DNA position 4531, G replaced by A.
Protein change: p.Asp1511Asn; replaces aspartic acid 1511 with asparagine.
Molecular consequence: missense variant.
Genome position (GRCh38, 1-based): chr17:67,912,415, G>A. VCF-style: chr17-67912415-G-A. GRCh37 (hg19) VCF-style: chr17-65908531-G-A.
Other names: c.4909G>A, p.Asp1637Asn (NM_004459.7); short protein forms D1637N, D1511N.
Identifiers: ClinVar variation 3657446 (VCV003657446.2).

ClinVar aggregate classification (germline): Uncertain significance (1 of 4 stars; one submission).

gnomAD v4.1: 4 of 1,613,916 alleles (0.00025%); highest among the groups gnomAD compares: African/African-American, 0.0013%; no homozygotes.

Submission:

Labcorp Genetics (formerly Invitae), Labcorp
Classification: Uncertain significance. Last evaluated: 2024-06-22. Review status: criteria provided, single submitter. Criteria: Invitae Variant Classification Sherloc (09022015). Collection method: clinical testing. Allele origin: germline.
Comment: This sequence change replaces aspartic acid, which is acidic and polar, with asparagine, which is neutral and polar, at codon 1637 of the BPTF protein (p.Asp1637Asn). This variant is not present in population databases (gnomAD no frequency). This variant has not been reported in the literature in individuals affected with BPTF-related conditions. Algorithms developed to predict the effect of missense changes on protein structure and function output the following: SIFT: "Not Available"; PolyPhen-2: "Benign"; Align-GVGD: "Not Available". The asparagine amino acid residue is found in multiple mammalian species, which suggests that this missense change does not adversely affect protein function. In summary, the available evidence is currently insufficient to determine the role of this variant in disease. Therefore, it has been classified as a Variant of Uncertain Significance.